The following is an entry in ClinVar:

ClinVar aggregate classification (germline): Benign (0 of 4 stars; one submission).

Conditions:
ARMC2-related disorder. Also called: ARMC2-related condition.

Allele frequency attached by ClinVar (database versions not stated): 1000 Genomes Project 0.01318; 1000 Genomes Project 30x 0.01343; gnomAD 0.01866; TOPMed 0.01986; ExAC 0.02230; gnomAD exomes 0.02291; ESP Exome Variant Server 0.02483.
gnomAD v4.1: 36,282 of 1,612,976 alleles (2.2%); highest among the groups gnomAD compares: Middle Eastern, 3.3%; 468 homozygotes.

Submission:

PreventionGenetics, part of Exact Sciences
Classification: Benign for ARMC2-related condition. Last evaluated: 2019-11-06. Review status: no assertion criteria provided. Collection method: clinical testing. Allele origin: germline.
Comment: This variant is classified as benign based on ACMG/AMP sequence variant interpretation guidelines (Richards et al. 2015 PMID: 25741868, with internal and published modifications).

NM_032131.6(ARMC2):c.1637C>T (p.Thr546Met)

Gene: ARMC2 (armadillo repeat containing 2; plus strand). Cytogenetic location: 6q21.
Variant type: single nucleotide variant.
Coding change: c.1637C>T on transcript NM_032131.6 (MANE Select); coding-DNA position 1637, C replaced by T.
Protein change: p.Thr546Met; replaces threonine 546 with methionine.
Molecular consequence: missense variant.
Genome position (GRCh38, 1-based): chr6:108,953,073, C>T. VCF-style: chr6-108953073-C-T. GRCh37 (hg19) VCF-style: chr6-109274276-C-T.
Other names: c.1142C>T, p.Thr381Met (NM_001286609.2); short protein forms T381M, T546M.
Identifiers: ClinVar variation 3056469 (VCV003056469.2), dbSNP rs61741720, ClinGen allele CA3949979.